The following is an entry in ClinVar:

NM_024408.4(NOTCH2):c.6973C>T (p.Gln2325Ter)

Gene: NOTCH2 (notch receptor 2; minus strand). Cytogenetic location: 1p12.
Variant type: single nucleotide variant.
Coding change: c.6973C>T on transcript NM_024408.4 (MANE Select); coding-DNA position 6973, C replaced by T.
Protein change: p.Gln2325Ter; replaces glutamine 2325 with a stop codon.
Molecular consequence: nonsense.
Genome position (GRCh38, 1-based): chr1:119,915,749, G>A on the plus strand (C>T on the coding strand, the complement: NOTCH2 is on the minus strand). VCF-style: chr1-119915749-G-A. GRCh37 (hg19) VCF-style: chr1-120458372-G-A.
Other names: short protein forms Q2325*.
Identifiers: ClinVar variation 4819333 (VCV004819333.1).

ClinVar aggregate classification (germline): Likely pathogenic (1 of 4 stars; one submission).

Conditions:
Hajdu-Cheney syndrome (HJCYS). Also called: Acroosteolysis dominant type; ACROOSTEOLYSIS WITH OSTEOPOROSIS AND CHANGES IN SKULL AND MANDIBLE; SERPENTINE FIBULA-POLYCYSTIC KIDNEY SYNDROME. Identifiers: Orphanet 955, MedGen C0917715, MONDO:0007057, OMIM 102500.

Submission:

Clinical Biomedical Laboratory, Shriners Hospital For Children - Canada
Classification: Likely pathogenic for Hajdu-Cheney syndrome. Review status: criteria provided, single submitter. Criteria: ACMG Guidelines, 2015. Collection method: clinical testing. Allele origin: germline. Affected: yes.
Comment: This variant is predicted to substitute a glutamine residue by a stop codon in the last exon of NOTCH2. As the stop codon is located in the last exon of the gene, it is not expected to lead to degradation of the affected transcript. Rather, this stop codon is expected to lead to a truncated NOTCH2 protein. This variant is absent from the Genome Aggregation Database (v2.1.1.), indicating it is very rare. Based on the ACMG variant interpretation guidelines (criteria: PVS1, PM2, PP4), the available evidence supports classification of this variant as likely pathogenic.